The following is an entry in ClinVar:

ClinVar aggregate classification (germline): Conflicting classifications of pathogenicity. Review status: criteria provided, conflicting classifications (1 of 4 stars). 4 submissions from 4 submitters: Uncertain significance (3); Likely benign (1). Last evaluated 2025-10-06.

Allele frequency attached by ClinVar (database versions not stated): gnomAD 0.00002; TOPMed 0.00002; gnomAD exomes 0.00003; ExAC 0.00005.
gnomAD v4.1: 25 of 1,584,550 alleles (0.0016%); highest among the groups gnomAD compares: African/African-American, 0.0068%; no homozygotes.

Submissions (4):

Labcorp Genetics (formerly Invitae), Labcorp
Classification: Uncertain significance. Last evaluated: 2025-10-06. Review status: criteria provided, single submitter. Criteria: Invitae Variant Classification Sherloc (09022015). Collection method: clinical testing. Allele origin: germline.
Comment: This sequence change replaces proline, which is neutral and non-polar, with leucine, which is neutral and non-polar, at codon 634 of the MKL1 protein (p.Pro634Leu). This variant is present in population databases (rs747320600, gnomAD 0.02%). This variant has not been reported in the literature in individuals affected with MKL1-related conditions. ClinVar contains an entry for this variant (Variation ID: 1682985). An algorithm developed to predict the effect of missense changes on protein structure and function outputs the following: PolyPhen-2: "Benign". The leucine amino acid residue is found in multiple mammalian species, which suggests that this missense change does not adversely affect protein function. In summary, the available evidence is currently insufficient to determine the role of this variant in disease. Therefore, it has been classified as a Variant of Uncertain Significance.

Ambry Genetics
Classification: Uncertain significance. Last evaluated: 2025-06-25. Review status: criteria provided, single submitter. Criteria: Ambry Variant Classification Scheme 2023. Collection method: clinical testing. Allele origin: germline.

Blueprint Genetics
Classification: Likely benign. Last evaluated: 2023-06-16. Review status: criteria provided, single submitter. Criteria: ACMG Guidelines, 2015. Collection method: clinical testing. Allele origin: germline.

Breakthrough Genomics
Classification: Uncertain significance. Review status: criteria provided, single submitter. Criteria: ACMG Guidelines, 2015. Collection method: not provided. Allele origin: germline. Inheritance: Autosomal dominant inheritance. Affected: yes.

NM_020831.6(MRTFA):c.2201C>T (p.Pro734Leu)

Gene: MRTFA (myocardin related transcription factor A; minus strand). Cytogenetic location: 22q13.1.
Variant type: single nucleotide variant.
Coding change: c.2201C>T on transcript NM_020831.6 (MANE Select); coding-DNA position 2201, C replaced by T.
Protein change: p.Pro734Leu; replaces proline 734 with leucine.
Molecular consequence: missense variant.
Genome position (GRCh38, 1-based): chr22:40,418,537, G>A on the plus strand (C>T on the coding strand, the complement: MRTFA is on the minus strand). VCF-style: chr22-40418537-G-A. GRCh37 (hg19) VCF-style: chr22-40814541-G-A.
Other names: c.1901C>T (NM_020831.3); c.1901C>T, p.Pro634Leu (NM_001282660.2); c.2051C>T, p.Pro684Leu (NM_001282661.3); c.2201C>T, p.Pro734Leu (NM_001282662.3); c.2006C>T, p.Pro669Leu (NM_001318139.2); short protein forms P634L, P669L, P684L, P734L.
Identifiers: ClinVar variation 1682985 (VCV001682985.11), dbSNP rs747320600, ClinGen allele CA10249424.
Genomic context (GRCh38, chr22:40,418,537, plus strand): 5'-GCAACCCCCTTGATGAGGCTGGGGCCCTGAGGCCCCAGAAGCAACTGGGGGGCGGGGACC[G>A]GCTCGGGCTCAGGCTGCAAGGCTTCCTGCTTCACCACCACGGACGGGGGCCCCGGGGCCA-3'
Protein context (NP_065882.2, residues 724-744): KQEALQPEPE[Pro734Leu]VPAPQLLLGP